The following is an entry in ClinVar:

ClinVar aggregate classification (germline): Pathogenic. Review status: criteria provided, multiple submitters, no conflicts (2 of 4 stars). 5 submissions from 4 submitters: Pathogenic (5). Last evaluated 2024-09-09.

Conditions:
Cardiovascular phenotype. Identifiers: MedGen CN230736.
Hereditary hemorrhagic telangiectasia (HHT). Also called: ORW DISEASE; Osler Weber Rendu syndrome; OSLER-RENDU-WEBER DISEASE; Osler hemorrhagic telangiectasia syndrome. Identifiers: Orphanet 774, MedGen C0039445, MONDO:0019180. Disease mechanism: loss of function.
Telangiectasia, hereditary hemorrhagic, type 1 (HHT1). Also called: Osler Weber Rendu syndrome type 1; ENG-Related Hereditary Hemorrhagic Telangiectasia. Identifiers: Orphanet 774, MedGen C4551861, MONDO:0008535, OMIM 187300. Disease mechanism: loss of function.

Submissions (5):

Mayo Clinic Laboratories, Mayo Clinic
Classification: Pathogenic. Last evaluated: 2024-09-09. Review status: criteria provided, single submitter. Criteria: ACMG Guidelines, 2015. Collection method: clinical testing. Allele origin: germline.
Comment: PM2, PS4_supporting, PVS1

Labcorp Genetics (formerly Invitae), Labcorp
Classification: Pathogenic for Hereditary hemorrhagic telangiectasia. Last evaluated: 2024-06-23. Review status: criteria provided, single submitter. Criteria: Invitae Variant Classification Sherloc (09022015). Collection method: clinical testing. Allele origin: germline.
Comment: This sequence change creates a premature translational stop signal (p.Gly214Thrfs*7) in the ENG gene. It is expected to result in an absent or disrupted protein product. Loss-of-function variants in ENG are known to be pathogenic (PMID: 15879500). This variant is not present in population databases (gnomAD no frequency). This premature translational stop signal has been observed in individual(s) with hereditary hemorrhagic telangiectasia (PMID: 15266205, 16752392). This variant is also known as c.635_638delGGCC or c.640_644delGGCC. ClinVar contains an entry for this variant (Variation ID: 220826). Algorithms developed to predict the effect of sequence changes on RNA splicing suggest that this variant may disrupt the consensus splice site. For these reasons, this variant has been classified as Pathogenic.

Ambry Genetics
Classification: Pathogenic for Cardiovascular phenotype. Last evaluated: 2023-02-01. Review status: criteria provided, single submitter. Criteria: Ambry Variant Classification Scheme 2023. Collection method: clinical testing. Allele origin: germline.
Comment: The c.640_643delGGCC pathogenic mutation, located in coding exon 5 of the ENG gene, results from a deletion of 4 nucleotides at nucleotide positions 640 to 643, causing a translational frameshift with a predicted alternate stop codon (p.G214Tfs*7). This pathogenic alteration, designated as c.635_638delGGCC, was described in an individual with epistaxis, telangiectasias, and family history of hereditary hemorrhagic telangiectasia (HHT) (Bossler AD et al. Hum. Mutat., 2006 Jul;27:667-75). Another study also identified this mutation, designated as c.640_644delGGCC, in an individual with HHT (Bayrak-Toydemir P et al. Am. J. Med. Genet. A, 2006 Mar;140:463-70). This variant is considered to be rare based on population cohorts in the Genome Aggregation Database (gnomAD). In addition to the clinical data presented in the literature, this alteration is expected to result in loss of function by premature protein truncation or nonsense-mediated mRNA decay. As such, this alteration is interpreted as a disease-causing mutation.

Illumina Laboratory Services, Illumina
Classification: Pathogenic for Telangiectasia, hereditary hemorrhagic, type 1. Last evaluated: 2018-08-19. Review status: criteria provided, single submitter. Criteria: ICSLVariantClassificationCriteria RUGD 01 April 2020. Collection method: clinical testing. Allele origin: unknown.
Comment: The ENG c.640_643delGGCC p.(Gly214ThrfsTer7) variant, also referred to as c.635_638delGGCC or p.(Gly214fsTer220), causes a shift in the protein reading frame that is predicted to result in premature termination of the protein. Loss of normal protein function through either protein truncation or nonsense-mediated mRNA decay is expected. The c.640_643delGGCC variant has been reported in two studies in which it is found in a heterozygous state in two individuals with hereditary hemorrhagic telangiectasia (Bayrak-Toydemir et al. 2004; Bossler et al. 2006). This variant is not observed in version 2.1.1 of the Genome Aggregation Database. Based on the available evidence, the c.640_643delGGCC p.(Gly214ThrfsTer7) variant is classified as pathogenic for hereditary hemorrhagic telangiectasia.

Labcorp Genetics (formerly Invitae), Labcorp
Classification: Pathogenic for Hereditary hemorrhagic telangiectasia. Last evaluated: 2015-10-28. Review status: criteria provided, single submitter. Criteria: Invitae Variant Classification Sherloc (09022015). Collection method: clinical testing. Allele origin: germline.
Comment: This sequence change deletes 4 nucleotides from exon 5 of the ENG mRNA (c.640_643delGGCC), causing a frameshift at codon 214. This creates a premature translational stop signal (p.Gly214Thrfs*7) and is expected to result in an absent or disrupted protein product. Truncating variants in ENG are known to be pathogenic (PMID: 21158752, 12673790). This particular deletion has been reported in individuals affected with hereditary hemorrhagic telangiectasia (PMID: 15266205, 16752392). This variant is also known as c.635_638delGGCC in the literature. For these reasons, this variant has been classified as Pathogenic.

Literature cited by the submitters: PubMed 15266205 (cited by Mayo Clinic Laboratories, Mayo Clinic and Labcorp Genetics (formerly Invitae), Labcorp); PubMed 16470787 (cited by Mayo Clinic Laboratories, Mayo Clinic and Ambry Genetics); PubMed 16752392 (cited by 3 submitters); PubMed 32300199 (cited by Mayo Clinic Laboratories, Mayo Clinic); PubMed 15879500 (cited by Labcorp Genetics (formerly Invitae), Labcorp).

NM_001114753.3(ENG):c.640_643del (p.Gly214fs)

Gene: ENG (endoglin; minus strand). Cytogenetic location: 9q34.11.
Variant type: Microsatellite.
Coding change: c.640_643del on transcript NM_001114753.3 (MANE Select); coding-DNA positions 640 to 643, 4 bases deleted (GGCC; older notation c.640_643delGGCC).
Protein change: p.Gly214fs; shifts the reading frame from glycine 214.
Molecular consequence: frameshift variant.
Genome position (GRCh38, 1-based): chr9:127,825,741-127,825,744, GGCC deleted on the plus strand (GGCC on the coding strand, the reverse complement: ENG is on the minus strand); deleting any 4 consecutive bases within chr9:127,825,741-127,825,748 gives the same sequence; the c. name uses the placement nearest the transcript's 3' end. VCF-style (leftmost placement, unchanged base first): chr9-127825740-TGGCC-T. GRCh37 (hg19) VCF-style: chr9-130588019-TGGCC-T.
Other names: p.Gly214Thrfs*7; c.640_643delGGCC (NM_000118.3); c.636_639GGCC[1], p.Gly214Thrfs (NM_000118.4, NM_001114753.2, NM_001406715.1); c.94_97del, p.Gly32fs (NM_001278138.2); c.640_643del (NM_001114753.2); short protein forms G214fs, G32fs.
Identifiers: ClinVar variation 220826 (VCV000220826.19), dbSNP rs864622666, ClinGen allele CA349583.